The following is an entry in ClinVar:

NM_006662.3(SRCAP):c.3542-5T>C

Gene: SRCAP (Snf2 related CREBBP activator protein; plus strand). Cytogenetic location: 16p11.2.
Variant type: single nucleotide variant.
Coding change: c.3542-5T>C on transcript NM_006662.3 (MANE Select); 5 bases into the intron before coding-DNA position 3542, T replaced by C.
Molecular consequence: intron variant.
Genome position (GRCh38, 1-based): chr16:30,722,117, T>C. VCF-style: chr16-30722117-T-C. GRCh37 (hg19) VCF-style: chr16-30733438-T-C.
Other names: c.3542-5T>C (NM_006662.2).
Identifiers: ClinVar variation 1559204 (VCV001559204.11), dbSNP rs141077295, ClinGen allele CA8011523.

ClinVar aggregate classification (germline): Likely benign. Review status: criteria provided, multiple submitters, no conflicts (2 of 4 stars). 3 submissions from 3 submitters: Likely benign (2). 1 of the submissions does not count toward it. Last evaluated 2025-12-02.

Conditions:
Floating-Harbor syndrome (FLHS). Also called: Short stature with delayed bone age, expressive language delay, a triangular face with a prominent nose and deep-set eyes; Pelletier-Leisti syndrome; SRCAP-Related Floating-Harbor Syndrome. Identifiers: Orphanet 2044, MedGen C0729582, MONDO:0007621, OMIM 136140.
Developmental delay, hypotonia, musculoskeletal defects, and behavioral abnormalities. Identifiers: MedGen C5562012, MONDO:0859202, OMIM 619595.
SRCAP-related disorder. Also called: SRCAP-related condition.

Allele frequency attached by ClinVar (database versions not stated): gnomAD exomes 0.00006; ExAC 0.00008; ESP Exome Variant Server 0.00008; gnomAD 0.00008 and 0.00009; TOPMed 0.00008; 1000 Genomes Project 30x 0.00031; 1000 Genomes Project 0.00040.
gnomAD v4.1: 107 of 1,612,510 alleles (0.0066%); highest among the groups gnomAD compares: Non-Finnish European, 0.0087%; no homozygotes.

Submissions (3):

Labcorp Genetics (formerly Invitae), Labcorp
Classification: Likely benign. Last evaluated: 2025-12-02. Review status: criteria provided, single submitter. Criteria: Invitae Variant Classification Sherloc (09022015). Collection method: clinical testing. Allele origin: germline.

Fulgent Genetics
Classification: Likely benign for Floating-Harbor syndrome; Developmental delay, hypotonia, musculoskeletal defects, and behavioral abnormalities. Last evaluated: 2022-04-18. Review status: criteria provided, single submitter. Criteria: ACMG Guidelines, 2015. Collection method: clinical testing. Allele origin: unknown.

PreventionGenetics, part of Exact Sciences
Classification: Likely benign for SRCAP-related condition. Last evaluated: 2020-12-22. Review status: no assertion criteria provided. Collection method: clinical testing. Allele origin: germline. Not counted in ClinVar's aggregate classification.
Comment: This variant is classified as likely benign based on ACMG/AMP sequence variant interpretation guidelines (Richards et al. 2015 PMID: 25741868, with internal and published modifications).